The following is an entry in ClinVar:

ClinVar aggregate classification (germline): Uncertain significance (1 of 4 stars; one submission).

Conditions:
Hereditary nonpolyposis colorectal neoplasms. Identifiers: MedGen C0009405, MeSH D003123.

Submission:

Labcorp Genetics (formerly Invitae), Labcorp
Classification: Uncertain significance for Hereditary nonpolyposis colorectal neoplasms. Last evaluated: 2019-10-24. Review status: criteria provided, single submitter. Criteria: Invitae Variant Classification Sherloc (09022015). Collection method: clinical testing. Allele origin: germline.
Comment: This variant has not been reported in the literature in individuals with MSH6-related conditions. Algorithms developed to predict the effect of missense changes on protein structure and function (SIFT, PolyPhen-2, Align-GVGD) all suggest that this variant is likely to be tolerated, but these predictions have not been confirmed by published functional studies and their clinical significance is uncertain. In summary, the available evidence is currently insufficient to determine the role of this variant in disease. Therefore, it has been classified as a Variant of Uncertain Significance. This sequence change replaces asparagine with aspartic acid at codon 784 of the MSH6 protein (p.Asn784Asp). The asparagine residue is moderately conserved and there is a small physicochemical difference between asparagine and aspartic acid. This variant is not present in population databases (ExAC no frequency).

NM_000179.3(MSH6):c.2350A>G (p.Asn784Asp)

Gene: MSH6 (mutS homolog 6; plus strand). Cytogenetic location: 2p16.3.
Variant type: single nucleotide variant.
Coding change: c.2350A>G on transcript NM_000179.3 (MANE Select); coding-DNA position 2350, A replaced by G.
Protein change: p.Asn784Asp; replaces asparagine 784 with aspartic acid.
Molecular consequence: missense variant.
Genome position (GRCh38, 1-based): chr2:47,800,333, A>G. VCF-style: chr2-47800333-A-G. GRCh37 (hg19) VCF-style: chr2-48027472-A-G.
Other names: c.1960A>G, p.Asn654Asp (NM_001281492.2); c.1444A>G, p.Asn482Asp (NM_001281493.2, NM_001281494.2); short protein forms N654D, N482D, N784D.
Identifiers: ClinVar variation 955689 (VCV000955689.10), dbSNP rs1669452197, ClinGen allele CA346753525.